The following is an entry in ClinVar:

NM_002303.6(LEPR):c.802C>T (p.Gln268Ter)

Gene: LEPR (leptin receptor; plus strand). Cytogenetic location: 1p31.3.
Variant type: single nucleotide variant.
Coding change: c.802C>T on transcript NM_002303.6 (MANE Select); coding-DNA position 802, C replaced by T.
Protein change: p.Gln268Ter; replaces glutamine 268 with a stop codon.
Molecular consequence: nonsense.
Genome position (GRCh38, 1-based): chr1:65,596,546, C>T. VCF-style: chr1-65596546-C-T. GRCh37 (hg19) VCF-style: chr1-66062229-C-T.
Other names: c.802C>T, p.Gln268Ter (NM_001003679.3, NM_001003680.3, NM_001198687.2 and 2 more transcripts); short protein forms Q268*.
Identifiers: ClinVar variation 3354244 (VCV003354244.1).
Genomic context (GRCh38, chr1:65,596,546, plus strand): 5'-ACAGATGATGGTAATTTAAAGATTTCTTGGTCCAGCCCACCATTGGTACCATTTCCACTT[C>T]AATATCAAGTGAAATATTCAGAGAATTCTACAACAGTTATCAGAGAAGTAAGTATATTTT-3'

ClinVar aggregate classification (germline): Likely pathogenic (0 of 4 stars; one submission).

Conditions:
LEPR-related disorder. Also called: LEPR-related condition; LEPR-related disorders.

Submission:

PreventionGenetics, part of Exact Sciences
Classification: Likely pathogenic for LEPR-related condition. Last evaluated: 2024-08-06. Review status: no assertion criteria provided. Collection method: clinical testing. Allele origin: germline.
Comment: The LEPR c.802C>T variant is predicted to result in premature protein termination (p.Gln268*). To our knowledge, this variant has not been reported in the literature. This variant is reported in 0.0065% of alleles in individuals of European (Non-Finnish) descent in gnomAD. Nonsense variants in LEPR are expected to be pathogenic. This variant is interpreted as likely pathogenic.